The following is an entry in ClinVar:

NM_005585.5(SMAD6):c.766G>A (p.Gly256Ser)

Gene: SMAD6 (SMAD family member 6; plus strand). Cytogenetic location: 15q22.31.
Variant type: single nucleotide variant.
Coding change: c.766G>A on transcript NM_005585.5 (MANE Select); coding-DNA position 766, G replaced by A.
Protein change: p.Gly256Ser; replaces glycine 256 with serine.
Molecular consequence: missense variant. On other transcripts: non-coding transcript variant (1).
Genome position (GRCh38, 1-based): chr15:66,704,024, G>A. VCF-style: chr15-66704024-G-A. GRCh37 (hg19) VCF-style: chr15-66996362-G-A.
Other names: short protein forms G256S.
Identifiers: ClinVar variation 2453898 (VCV002453898.2), dbSNP rs2545313181, ClinGen allele CA392950202.

ClinVar aggregate classification (germline): Uncertain significance (1 of 4 stars; one submission).

Conditions:
Inborn genetic diseases. Identifiers: MedGen C0950123, MeSH D030342.

Submission:

Ambry Genetics
Classification: Uncertain significance for Inborn genetic diseases. Last evaluated: 2022-11-19. Review status: criteria provided, single submitter. Criteria: Ambry Variant Classification Scheme 2023. Collection method: clinical testing. Allele origin: germline.
Comment: The p.G256S variant (also known as c.766G>A), located in coding exon 1 of the SMAD6 gene, results from a G to A substitution at nucleotide position 766. The glycine at codon 256 is replaced by serine, an amino acid with similar properties. This amino acid position is conserved. In addition, this alteration is predicted to be tolerated by in silico analysis. Since supporting evidence is limited at this time, the clinical significance of this alteration remains unclear.